The following is an entry in ClinVar:

ClinVar aggregate classification (germline): Uncertain significance (1 of 4 stars; one submission).

Allele frequency attached by ClinVar (database versions not stated): gnomAD 0.00001.
gnomAD v4.1: 1 of 1,614,020 alleles (0.000062%); highest among the groups gnomAD compares: African/African-American, 0.0013%; no homozygotes.

Submission:

Ambry Genetics
Classification: Uncertain significance. Last evaluated: 2021-09-30. Review status: criteria provided, single submitter. Criteria: Ambry Variant Classification Scheme 2023. Collection method: clinical testing. Allele origin: germline.
Comment: The p.E297D variant (also known as c.891G>T), located in coding exon 3 of the TERF2IP gene, results from a G to T substitution at nucleotide position 891. The glutamic acid at codon 297 is replaced by aspartic acid, an amino acid with highly similar properties. This amino acid position is conserved. In addition, this alteration is predicted to be tolerated by in silico analysis. Since supporting evidence is limited at this time, the clinical significance of this alteration remains unclear.

NM_018975.4(TERF2IP):c.891G>T (p.Glu297Asp)

Gene: TERF2IP (TERF2 interacting protein; plus strand). Cytogenetic location: 16q23.1.
Variant type: single nucleotide variant.
Coding change: c.891G>T on transcript NM_018975.4 (MANE Select); coding-DNA position 891, G replaced by T.
Protein change: p.Glu297Asp; replaces glutamic acid 297 with aspartic acid.
Molecular consequence: missense variant. On other transcripts: non-coding transcript variant (1).
Genome position (GRCh38, 1-based): chr16:75,656,302, G>T. VCF-style: chr16-75656302-G-T. GRCh37 (hg19) VCF-style: chr16-75690200-G-T.
Other names: short protein forms E297D.
Identifiers: ClinVar variation 1765118 (VCV001765118.2), dbSNP rs1361371267, ClinGen allele CA396819809.